The following is an entry in ClinVar:

NM_025144.4(ALPK1):c.662T>C (p.Ile221Thr)

Gene: ALPK1 (alpha kinase 1; plus strand). Cytogenetic location: 4q25.
Variant type: single nucleotide variant.
Coding change: c.662T>C on transcript NM_025144.4 (MANE Select); coding-DNA position 662, T replaced by C.
Protein change: p.Ile221Thr; replaces isoleucine 221 with threonine.
Molecular consequence: missense variant.
Genome position (GRCh38, 1-based): chr4:112,426,506, T>C. VCF-style: chr4-112426506-T-C. GRCh37 (hg19) VCF-style: chr4-113347662-T-C.
Other names: c.662T>C, p.Ile221Thr (NM_001102406.2); c.428T>C, p.Ile143Thr (NM_001253884.2); short protein forms I143T, I221T.
Identifiers: ClinVar variation 4779511 (VCV004779511.1).

ClinVar aggregate classification (germline): Uncertain significance (1 of 4 stars; one submission).

gnomAD v4.1: 1 of 1,594,170 alleles (0.000063%); highest among the groups gnomAD compares: Non-Finnish European, 0.000085%; no homozygotes.

Submission:

Labcorp Genetics (formerly Invitae), Labcorp
Classification: Uncertain significance. Last evaluated: 2025-08-22. Review status: criteria provided, single submitter. Criteria: Invitae Variant Classification Sherloc (09022015). Collection method: clinical testing. Allele origin: germline.
Comment: This sequence change replaces isoleucine, which is neutral and non-polar, with threonine, which is neutral and polar, at codon 221 of the ALPK1 protein (p.Ile221Thr). This variant is present in population databases (rs760004616, gnomAD 0.0009%). This variant has not been reported in the literature in individuals affected with ALPK1-related conditions. Invitae Evidence Modeling of protein sequence and biophysical properties (such as structural, functional, and spatial information, amino acid conservation, physicochemical variation, residue mobility, and thermodynamic stability) indicates that this missense variant is expected to disrupt ALPK1 protein function with a positive predictive value of 80%. In summary, the available evidence is currently insufficient to determine the role of this variant in disease. Therefore, it has been classified as a Variant of Uncertain Significance.